The following is an entry in ClinVar:

ClinVar aggregate classification (germline): Uncertain significance (1 of 4 stars; one submission).

Conditions:
BAP1-related tumor predisposition syndrome (TPDS1). Also called: Tumor susceptibility linked to germline BAP1 mutations; BAP1 tumor predisposition syndrome; COMMON Syndrome; TUMOR PREDISPOSITION SYNDROME 1. Identifiers: Orphanet 289539, MedGen C3280492, MONDO:0013692, OMIM 614327.

Allele frequency attached by ClinVar (database versions not stated): TOPMed below 0.00001.

Submission:

Labcorp Genetics (formerly Invitae), Labcorp
Classification: Uncertain significance for BAP1-related tumor predisposition syndrome. Last evaluated: 2022-03-05. Review status: criteria provided, single submitter. Criteria: Invitae Variant Classification Sherloc (09022015). Collection method: clinical testing. Allele origin: germline.
Comment: ClinVar contains an entry for this variant (Variation ID: 1064097). Variants that disrupt the consensus splice site are a relatively common cause of aberrant splicing (PMID: 17576681, 9536098). Algorithms developed to predict the effect of sequence changes on RNA splicing suggest that this variant may create or strengthen a splice site. In summary, the available evidence is currently insufficient to determine the role of this variant in disease. Therefore, it has been classified as a Variant of Uncertain Significance. This variant has not been reported in the literature in individuals affected with BAP1-related conditions. This sequence change falls in intron 12 of the BAP1 gene. It does not directly change the encoded amino acid sequence of the BAP1 protein. It affects a nucleotide within the consensus splice site. This variant is not present in population databases (gnomAD no frequency).

Literature cited by the submitters: PubMed 17576681; PubMed 9536098.

NM_004656.4(BAP1):c.1250+4A>G

Gene: BAP1 (BRCA1 associated deubiquitinase 1; minus strand). Cytogenetic location: 3p21.1.
Variant type: single nucleotide variant.
Coding change: c.1250+4A>G on transcript NM_004656.4 (MANE Select); 4 bases into the intron after coding-DNA position 1250, A replaced by G.
Molecular consequence: intron variant.
Genome position (GRCh38, 1-based): chr3:52,404,449, T>C on the plus strand (A>G on the coding strand, the complement: BAP1 is on the minus strand). VCF-style: chr3-52404449-T-C. GRCh37 (hg19) VCF-style: chr3-52438465-T-C.
Identifiers: ClinVar variation 1064097 (VCV001064097.5), dbSNP rs940289198, ClinGen allele CA74741292.